The following is an entry in ClinVar:

ClinVar aggregate classification (germline): Uncertain significance (1 of 4 stars; one submission).

Allele frequency attached by ClinVar (database versions not stated): gnomAD exomes 0.00001; ExAC 0.00003.
gnomAD v4.1: 13 of 1,596,616 alleles (0.00081%); highest among the groups gnomAD compares: South Asian, 0.01%; no homozygotes.

Submission:

Labcorp Genetics (formerly Invitae), Labcorp
Classification: Uncertain significance. Last evaluated: 2022-07-25. Review status: criteria provided, single submitter. Criteria: Invitae Variant Classification Sherloc (09022015). Collection method: clinical testing. Allele origin: germline.
Comment: This sequence change replaces aspartic acid, which is acidic and polar, with alanine, which is neutral and non-polar, at codon 124 of the ASAH1 protein (p.Asp124Ala). This variant is present in population databases (rs764679567, gnomAD 0.01%). This variant has not been reported in the literature in individuals affected with ASAH1-related conditions. Algorithms developed to predict the effect of missense changes on protein structure and function (SIFT, PolyPhen-2, Align-GVGD) all suggest that this variant is likely to be tolerated. In summary, the available evidence is currently insufficient to determine the role of this variant in disease. Therefore, it has been classified as a Variant of Uncertain Significance.

NM_177924.5(ASAH1):c.371A>C (p.Asp124Ala)

Gene: ASAH1 (N-acylsphingosine amidohydrolase 1; minus strand). Cytogenetic location: 8p22.
Variant type: single nucleotide variant.
Coding change: c.371A>C on transcript NM_177924.5 (MANE Select); coding-DNA position 371, A replaced by C.
Protein change: p.Asp124Ala; replaces aspartic acid 124 with alanine.
Molecular consequence: missense variant.
Genome position (GRCh38, 1-based): chr8:18,067,231, T>G on the plus strand (A>C on the coding strand, the complement: ASAH1 is on the minus strand). VCF-style: chr8-18067231-T-G. GRCh37 (hg19) VCF-style: chr8-17924740-T-G.
Other names: c.353A>C, p.Asp118Ala (NM_001127505.3); c.176A>C, p.Asp59Ala (NM_001363743.2); c.419A>C, p.Asp140Ala (NM_004315.6); short protein forms D118A, D124A, D59A, D140A.
Identifiers: ClinVar variation 1997939 (VCV001997939.1), dbSNP rs764679567, ClinGen allele CA4650901.